The following is an entry in ClinVar:

NM_020949.3(SLC7A14):c.690C>G (p.Ile230Met)

Genes: SLC7A14 (solute carrier family 7 member 14; minus strand), SLC7A14-AS1 (SLC7A14 antisense RNA 1; plus strand). Cytogenetic location: 3q26.2.
Variant type: single nucleotide variant.
Coding change: c.690C>G on transcript NM_020949.3 (MANE Select); coding-DNA position 690, C replaced by G.
Protein change: p.Ile230Met; replaces isoleucine 230 with methionine.
Molecular consequence: missense variant.
Genome position (GRCh38, 1-based): chr3:170,498,736, G>C on the plus strand (C>G on the coding strand, the complement: SLC7A14 is on the minus strand). VCF-style: chr3-170498736-G-C. GRCh37 (hg19) VCF-style: chr3-170216525-G-C.
Other names: short protein forms I230M.
Identifiers: ClinVar variation 4586233 (VCV004586233.3).
Genomic context (GRCh38, chr3:170,498,736, plus strand): 5'-GCCGTGGGGCAAGAACTGGCCCTCCGCCCAGTATTTCCCATTGATGAAGAAGAGGCCTGC[G>C]ATCATGATGAACACCCATACTGCCAGGTTCAGCACATTGAGAACATTGTTGAAGCCTATG-3'
Protein context (NP_066000.2, residues 220-240): LNLAVWVFIM[Ile230Met]AGLFFINGKY

ClinVar aggregate classification (germline): Uncertain significance. Review status: criteria provided, multiple submitters, no conflicts (2 of 4 stars). 3 submissions from 3 submitters: Uncertain significance (3). Last evaluated 2025-10-06.

gnomAD v4.1: 13 of 1,614,034 alleles (0.00081%); highest among the groups gnomAD compares: Admixed American, 0.02%; no homozygotes.

Submissions (3):

Ambry Genetics
Classification: Uncertain significance. Last evaluated: 2025-10-06. Review status: criteria provided, single submitter. Criteria: Ambry Variant Classification Scheme 2023. Collection method: clinical testing. Allele origin: germline.

Labcorp Genetics (formerly Invitae), Labcorp
Classification: Uncertain significance. Last evaluated: 2025-06-04. Review status: criteria provided, single submitter. Criteria: Invitae Variant Classification Sherloc (09022015). Collection method: clinical testing. Allele origin: germline.
Comment: This sequence change replaces isoleucine, which is neutral and non-polar, with methionine, which is neutral and non-polar, at codon 230 of the SLC7A14 protein (p.Ile230Met). This variant is present in population databases (rs543046436, gnomAD 0.02%). This variant has not been reported in the literature in individuals affected with SLC7A14-related conditions. An algorithm developed to predict the effect of missense changes on protein structure and function (PolyPhen-2) suggests that this variant is likely to be disruptive. In summary, the available evidence is currently insufficient to determine the role of this variant in disease. Therefore, it has been classified as a Variant of Uncertain Significance.

Blueprint Genetics
Classification: Uncertain significance. Last evaluated: 2018-12-17. Review status: criteria provided, single submitter. Criteria: ACMG Guidelines, 2015. Collection method: clinical testing. Allele origin: germline.